The following is an entry in ClinVar:

NM_006950.3(SYN1):c.1228G>C (p.Val410Leu)

Gene: SYN1 (synapsin I; minus strand). Cytogenetic location: Xp11.3.
Variant type: single nucleotide variant.
Coding change: c.1228G>C on transcript NM_006950.3 (MANE Select); coding-DNA position 1228, G replaced by C.
Protein change: p.Val410Leu; replaces valine 410 with leucine.
Molecular consequence: missense variant.
Genome position (GRCh38, 1-based): chrX:47,575,205, C>G on the plus strand (G>C on the coding strand, the complement: SYN1 is on the minus strand). VCF-style: chrX-47575205-C-G. GRCh37 (hg19) VCF-style: chrX-47434604-C-G.
Other names: c.1228G>C, p.Val410Leu (NM_133499.2); short protein forms V410L.
Identifiers: ClinVar variation 4539837 (VCV004539837.5).

ClinVar aggregate classification (germline): Uncertain significance. Review status: criteria provided, multiple submitters, no conflicts (2 of 4 stars). 2 submissions from 2 submitters: Uncertain significance (2). Last evaluated 2026-01-01.

gnomAD v4.1: 5 of 1,202,306 alleles (0.00042%); highest among the groups gnomAD compares: Non-Finnish European, 0.00056%; no homozygotes.

Submissions (2):

CeGaT Center for Human Genetics Tuebingen
Classification: Uncertain significance. Last evaluated: 2026-01-01. Review status: criteria provided, single submitter. Criteria: CeGaT Center For Human Genetics Tuebingen Variant Classification Criteria Version 2. Collection method: clinical testing. Allele origin: germline. Affected: yes. Observed: 1 variant allele.
Comment: SYN1: PM2

GeneDx
Classification: Uncertain significance. Last evaluated: 2025-06-27. Review status: criteria provided, single submitter. Criteria: GeneDx Variant Classification Process June 2021. Collection method: clinical testing. Allele origin: germline. Affected: yes.
Comment: Not observed at significant frequency in large population cohorts (gnomAD); In silico analysis supports that this missense variant has a deleterious effect on protein structure/function; Has not been previously published as pathogenic or benign to our knowledge